The following is an entry in ClinVar:

NM_000384.3(APOB):c.3667T>C (p.Phe1223Leu)

Gene: APOB (apolipoprotein B; minus strand). Cytogenetic location: 2p24.1.
Variant type: single nucleotide variant.
Coding change: c.3667T>C on transcript NM_000384.3 (MANE Select); coding-DNA position 3667, T replaced by C.
Protein change: p.Phe1223Leu; replaces phenylalanine 1223 with leucine.
Molecular consequence: missense variant.
Genome position (GRCh38, 1-based): chr2:21,015,102, A>G on the plus strand (T>C on the coding strand, the complement: APOB is on the minus strand). VCF-style: chr2-21015102-A-G. GRCh37 (hg19) VCF-style: chr2-21237974-A-G.
Other names: short protein forms F1223L.
Identifiers: ClinVar variation 3415907 (VCV003415907.1).

ClinVar aggregate classification (germline): Uncertain significance (1 of 4 stars; one submission).

Conditions:
Cardiovascular phenotype. Identifiers: MedGen CN230736.

gnomAD v4.1: 1 of 1,614,174 alleles (0.000062%); highest among the groups gnomAD compares: Non-Finnish European, 0.000085%; no homozygotes.

Submission:

Ambry Genetics
Classification: Uncertain significance for Cardiovascular phenotype. Last evaluated: 2024-08-28. Review status: criteria provided, single submitter. Criteria: Ambry Variant Classification Scheme 2023. Collection method: clinical testing. Allele origin: germline.
Comment: The p.F1223L variant (also known as c.3667T>C), located in coding exon 23 of the APOB gene, results from a T to C substitution at nucleotide position 3667. The phenylalanine at codon 1223 is replaced by leucine, an amino acid with highly similar properties. This amino acid position is conserved. In addition, this alteration is predicted to be tolerated by in silico analysis. Based on the available evidence, the clinical significance of this variant remains unclear.